The following is an entry in ClinVar:

ClinVar aggregate classification (germline): Uncertain significance (1 of 4 stars; one submission).

Submission:

GeneDx
Classification: Uncertain significance. Last evaluated: 2022-08-05. Review status: criteria provided, single submitter. Criteria: GeneDx Variant Classification Process June 2021. Collection method: clinical testing. Allele origin: germline. Affected: yes.
Comment: Not observed at significant frequency in large population cohorts (gnomAD); In silico analysis supports that this missense variant has a deleterious effect on splicing; In silico analysis supports that this missense variant does not alter protein structure/function; Has not been previously published as pathogenic or benign to our knowledge; Variants in candidate genes are classified as variants of uncertain significance in accordance with ACMG guidelines (Richards et al., 2015)

NM_015057.5(MYCBP2):c.12307C>G (p.Leu4103Val)

Gene: MYCBP2 (MYC binding protein 2; minus strand). Cytogenetic location: 13q22.3.
Variant type: single nucleotide variant.
Coding change: c.12307C>G on transcript NM_015057.5 (MANE Select); coding-DNA position 12307, C replaced by G.
Protein change: p.Leu4103Val; replaces leucine 4103 with valine.
Molecular consequence: missense variant.
Genome position (GRCh38, 1-based): chr13:77,067,729, G>C on the plus strand (C>G on the coding strand, the complement: MYCBP2 is on the minus strand). VCF-style: chr13-77067729-G-C. GRCh37 (hg19) VCF-style: chr13-77641864-G-C.
Other names: short protein forms L4103V.
Identifiers: ClinVar variation 2428859 (VCV002428859.3), dbSNP rs2502375551, ClinGen allele CA388376520.